The following is an entry in ClinVar:

NM_000038.6(APC):c.3917A>G (p.Glu1306Gly)

Gene: APC (APC regulator of Wnt signaling pathway; plus strand). Cytogenetic location: 5q22.2.
Variant type: single nucleotide variant.
Coding change: c.3917A>G on transcript NM_000038.6 (MANE Select); coding-DNA position 3917, A replaced by G.
Protein change: p.Glu1306Gly; replaces glutamic acid 1306 with glycine.
Molecular consequence: missense variant.
Genome position (GRCh38, 1-based): chr5:112,839,511, A>G. VCF-style: chr5-112839511-A-G. GRCh37 (hg19) VCF-style: chr5-112175208-A-G.
Other names: c.3917A>G, p.Glu1306Gly (NM_001127510.3, NM_001354895.2); c.3863A>G, p.Glu1288Gly (NM_001127511.3); c.3971A>G, p.Glu1324Gly (NM_001354896.2); c.3947A>G, p.Glu1316Gly (NM_001354897.2); c.3842A>G, p.Glu1281Gly (NM_001354898.2); c.3833A>G, p.Glu1278Gly (NM_001354899.2); c.3794A>G, p.Glu1265Gly (NM_001354900.2); c.3740A>G, p.Glu1247Gly (NM_001354901.2); and 5 more; short protein forms E1023G, E1146G, E1180G, E1205G, E1215G, E1247G, E1265G, E1278G.
Identifiers: ClinVar variation 1022037 (VCV001022037.10), dbSNP rs1765553693, ClinGen allele CA16029927.
Genomic context (GRCh38, chr5:112,839,511, plus strand): 5'-AAATAGGATGTAATCAGACGACACAGGAAGCAGATTCTGCTAATACCCTGCAAATAGCAG[A>G]AATAAAAGAAAAGATTGGAACTAGGTCAGCTGAAGATCCTGTGAGCGAAGTTCCAGCAGT-3'
Protein context (NP_000029.2, residues 1296-1316): ADSANTLQIA[Glu1306Gly]IKEKIGTRSA

ClinVar aggregate classification (germline): Uncertain significance (1 of 4 stars; one submission).

Conditions:
Familial adenomatous polyposis 1 (FAP1). Also called: POLYPOSIS, ADENOMATOUS INTESTINAL; FAMILIAL ADENOMATOUS POLYPOSIS 1, ATTENUATED. Identifiers: MedGen C2713442, MONDO:0021056, OMIM 175100. Disease mechanism: loss of function.

Submission:

Labcorp Genetics (formerly Invitae), Labcorp
Classification: Uncertain significance for Familial adenomatous polyposis 1. Last evaluated: 2020-09-24. Review status: criteria provided, single submitter. Criteria: Invitae Variant Classification Sherloc (09022015). Collection method: clinical testing. Allele origin: germline.
Comment: In summary, the available evidence is currently insufficient to determine the role of this variant in disease. Therefore, it has been classified as a Variant of Uncertain Significance. Algorithms developed to predict the effect of missense changes on protein structure and function (SIFT, PolyPhen-2, Align-GVGD) all suggest that this variant is likely to be tolerated, but these predictions have not been confirmed by published functional studies and their clinical significance is uncertain. This variant has not been reported in the literature in individuals with APC-related conditions. This variant is not present in population databases (ExAC no frequency). This sequence change replaces glutamic acid with glycine at codon 1306 of the APC protein (p.Glu1306Gly). The glutamic acid residue is highly conserved and there is a moderate physicochemical difference between glutamic acid and glycine.